The following is an entry in ClinVar:

NC_000010.10:g.(?_99359814)_(99359930_?)del

Gene: HOGA1 (4-hydroxy-2-oxoglutarate aldolase 1; plus strand). Cytogenetic location: 10q24.2.
Variant type: Deletion.
Identifiers: ClinVar variation 1459497 (VCV001459497.5).

ClinVar aggregate classification (germline): Pathogenic (1 of 4 stars; one submission).

Submission:

Labcorp Genetics (formerly Invitae), Labcorp
Classification: Pathogenic. Last evaluated: 2021-08-12. Review status: criteria provided, single submitter. Criteria: Invitae Variant Classification Sherloc (09022015). Collection method: clinical testing. Allele origin: germline.
Comment: This variant is a gross deletion of the genomic region encompassing exon(s) 5 of the HOGA1 gene. This deletion is out-of-frame, and is expected to create a premature termination codon and result in an absent or disrupted protein product. Loss-of-function variants in HOGA1 are known to be pathogenic (PMID: 22391140, 22781098). This variant has not been reported in the literature in individuals affected with HOGA1-related conditions. For these reasons, this variant has been classified as Pathogenic.

Literature cited by the submitters: PubMed 22391140; PubMed 22781098.